The following is an entry in ClinVar:

ClinVar aggregate classification (germline): Pathogenic (1 of 4 stars; one submission).

Submission:

CeGaT Center for Human Genetics Tuebingen
Classification: Pathogenic. Last evaluated: 2024-06-01. Review status: criteria provided, single submitter. Criteria: CeGaT Center For Human Genetics Tuebingen Variant Classification Criteria Version 2. Collection method: clinical testing. Allele origin: germline. Affected: yes. Observed: 1 variant allele.
Comment: DLL1: PVS1, PM2

NM_005618.4(DLL1):c.1762G>T (p.Glu588Ter)

Gene: DLL1 (delta like canonical Notch ligand 1; minus strand). Cytogenetic location: 6q27.
Variant type: single nucleotide variant.
Coding change: c.1762G>T on transcript NM_005618.4 (MANE Select); coding-DNA position 1762, G replaced by T.
Protein change: p.Glu588Ter; replaces glutamic acid 588 with a stop codon.
Molecular consequence: nonsense.
Genome position (GRCh38, 1-based): chr6:170,283,517, C>A on the plus strand (G>T on the coding strand, the complement: DLL1 is on the minus strand). VCF-style: chr6-170283517-C-A. GRCh37 (hg19) VCF-style: chr6-170592605-C-A.
Other names: short protein forms E588*.
Identifiers: ClinVar variation 3250636 (VCV003250636.18), dbSNP rs200801825.